The following is an entry in ClinVar:

ClinVar aggregate classification (germline): Likely pathogenic. Review status: criteria provided, single submitter (1 of 4 stars). 2 submissions from 2 submitters: Likely pathogenic (1). 1 of the submissions does not count toward it. Last evaluated 2019-05-15.

Conditions:
Fanconi anemia complementation group L (FANCL). Also called: FANCL-Related Fanconi Anemia. Identifiers: Orphanet 84, MedGen C3469528, MONDO:0013566, OMIM 614083.

Submissions (2):

Center for Reproductive Medicine, Shandong Provincial Hospital Affiliated to Shandong University
Classification: Likely pathogenic for Fanconi anemia complementation group L. Last evaluated: 2019-05-15. Review status: criteria provided, single submitter. Criteria: ACMG Guidelines, 2015. Collection method: research. Allele origin: germline. Affected: yes. Observed: 1 variant allele.
Comment: Causative for POI by disturbance of DNA damage repair

Leiden Open Variation Database
Classification: Pathogenic. Last evaluated: 2019-12-09. Review status: no assertion criteria provided. Collection method: curation. Allele origin: germline. Affected: yes. Not counted in ClinVar's aggregate classification.
Comment: Curator: Arleen D. Auerbach. Submitter to LOVD: Yajuan Yang. Comment: Variant observed de novo.

NM_018062.4(FANCL):c.739dup (p.Met247fs)

Gene: FANCL (FA complementation group L; minus strand). Cytogenetic location: 2p16.1.
Variant type: Duplication.
Coding change: c.739dup on transcript NM_018062.4 (MANE Select); coding-DNA position 739, one base duplicated (A; older notation c.739dupA).
Protein change: p.Met247fs; shifts the reading frame from methionine 247.
Molecular consequence: frameshift variant.
Genome position (GRCh38, 1-based): chr2:58,163,470, T duplicated on the plus strand (A on the coding strand, the reverse complement: FANCL is on the minus strand). VCF-style (leftmost placement, unchanged base first): chr2-58163469-A-AT. GRCh37 (hg19) VCF-style: chr2-58390604-A-AT.
Other names: c.739dupA (NM_018062.3); c.754dup, p.Met252Asnfs (NM_001114636.2); c.784dup, p.Met262fs (NM_001374615.1); c.799dup, p.Met267fs (NM_001410792.1); short protein forms M247fs, M252fs, M262fs, M267fs.
Identifiers: ClinVar variation 810846 (VCV000810846.3), dbSNP rs1573518300, ClinGen allele CA915944014.